The following is an entry in ClinVar:

NM_003737.4(DCHS1):c.4489G>A (p.Ala1497Thr)

Gene: DCHS1 (dachsous cadherin-related 1; minus strand). Cytogenetic location: 11p15.4.
Variant type: single nucleotide variant.
Coding change: c.4489G>A on transcript NM_003737.4 (MANE Select); coding-DNA position 4489, G replaced by A.
Protein change: p.Ala1497Thr; replaces alanine 1497 with threonine.
Molecular consequence: missense variant.
Genome position (GRCh38, 1-based): chr11:6,630,305, C>T on the plus strand (G>A on the coding strand, the complement: DCHS1 is on the minus strand). VCF-style: chr11-6630305-C-T. GRCh37 (hg19) VCF-style: chr11-6651536-C-T.
Other names: short protein forms A1497T.
Identifiers: ClinVar variation 3632148 (VCV003632148.2).

ClinVar aggregate classification (germline): Uncertain significance (1 of 4 stars; one submission).

Submission:

Labcorp Genetics (formerly Invitae), Labcorp
Classification: Uncertain significance. Last evaluated: 2024-12-26. Review status: criteria provided, single submitter. Criteria: Invitae Variant Classification Sherloc (09022015). Collection method: clinical testing. Allele origin: germline.
Comment: This sequence change replaces alanine, which is neutral and non-polar, with threonine, which is neutral and polar, at codon 1497 of the DCHS1 protein (p.Ala1497Thr). This variant is not present in population databases (gnomAD no frequency). This variant has not been reported in the literature in individuals affected with DCHS1-related conditions. Invitae Evidence Modeling of protein sequence and biophysical properties (such as structural, functional, and spatial information, amino acid conservation, physicochemical variation, residue mobility, and thermodynamic stability) indicates that this missense variant is not expected to disrupt DCHS1 protein function with a negative predictive value of 80%. In summary, the available evidence is currently insufficient to determine the role of this variant in disease. Therefore, it has been classified as a Variant of Uncertain Significance.